The following is an entry in ClinVar:

NM_001001331.4(ATP2B2):c.2316+2T>C

Gene: ATP2B2 (ATPase plasma membrane Ca2+ transporting 2; minus strand). Cytogenetic location: 3p25.3.
Variant type: single nucleotide variant.
Coding change: c.2316+2T>C on transcript NM_001001331.4 (MANE Select); the canonical splice donor site of the intron after coding-DNA position 2316, T replaced by C.
Molecular consequence: splice donor variant.
Genome position (GRCh38, 1-based): chr3:10,350,396, A>G on the plus strand (T>C on the coding strand, the complement: ATP2B2 is on the minus strand). VCF-style: chr3-10350396-A-G. GRCh37 (hg19) VCF-style: chr3-10392080-A-G.
Other names: c.2181+2T>C (NM_001438036.1, NM_001353564.1, NM_001683.5 and 2 more transcripts); c.2223+2T>C (NM_001438646.1).
Identifiers: ClinVar variation 4724741 (VCV004724741.1).

ClinVar aggregate classification (germline): Likely pathogenic (1 of 4 stars; one submission).

Submission:

Labcorp Genetics (formerly Invitae), Labcorp
Classification: Likely pathogenic. Last evaluated: 2025-08-13. Review status: criteria provided, single submitter. Criteria: Invitae Variant Classification Sherloc (09022015). Collection method: clinical testing. Allele origin: germline.
Comment: This sequence change affects a donor splice site in intron 12 of the ATP2B2 gene. It is expected to disrupt RNA splicing. Variants that disrupt the donor or acceptor splice site typically lead to a loss of protein function (PMID: 16199547), and loss-of-function variants in ATP2B2 are known to be pathogenic (PMID: 30535804). This variant is not present in population databases (gnomAD no frequency). This variant has not been reported in the literature in individuals affected with ATP2B2-related conditions. Algorithms developed to predict the effect of sequence changes on RNA splicing suggest that this variant may disrupt the consensus splice site. In summary, the currently available evidence indicates that the variant is pathogenic, but additional data are needed to prove that conclusively. Therefore, this variant has been classified as Likely Pathogenic.

Literature cited by the submitters: PubMed 16199547; PubMed 30535804.